The following is an entry in ClinVar:

NM_004655.4(AXIN2):c.2497G>C (p.Gly833Arg)

Gene: AXIN2 (axin 2; minus strand). Cytogenetic location: 17q24.1.
Variant type: single nucleotide variant.
Coding change: c.2497G>C on transcript NM_004655.4 (MANE Select); coding-DNA position 2497, G replaced by C.
Protein change: p.Gly833Arg; replaces glycine 833 with arginine.
Molecular consequence: missense variant.
Genome position (GRCh38, 1-based): chr17:65,530,011, C>G on the plus strand (G>C on the coding strand, the complement: AXIN2 is on the minus strand). VCF-style: chr17-65530011-C-G. GRCh37 (hg19) VCF-style: chr17-63526129-C-G.
Other names: c.2302G>C, p.Gly768Arg (NM_001363813.1); short protein forms G768R, G833R.
Identifiers: ClinVar variation 4983378 (VCV004983378.1).
Genomic context (GRCh38, chr17:65,530,011, plus strand): 5'-GTTCACCAAAGCCAGACCCCAGGGCTCAATCGATCCGCTCCACTTTGCCCAGAATCCGGC[C>G]TTCATACATCGGGAGCACCGTCTCATCCTCCCAGATCTCCTCAAACACCGCTCCACAGGC-3'
Protein context (NP_004646.3, residues 823-843): EDETVLPMYE[Gly833Arg]RILGKVERID

ClinVar aggregate classification (germline): Uncertain significance (1 of 4 stars; one submission).

Conditions:
AXIN2-related disorder.

Submission:

PreventionGenetics, part of Exact Sciences
Classification: Uncertain significance for AXIN2-related condition. Last evaluated: 2026-02-13. Review status: criteria provided, single submitter. Criteria: ACMG Guidelines, 2015. Collection method: clinical testing. Allele origin: germline.
Comment: The AXIN2 c.2497G>C variant is predicted to result in the amino acid substitution p.Gly833Arg. To our knowledge, this variant has not been reported in the literature or in a large population database (gnomAD), indicating this variant is rare. At the time of reporting, this variant is absent from the ClinVar database. At this time, the clinical significance of this variant is uncertain due to the absence of conclusive functional and genetic evidence.